The following is an entry in ClinVar:

ClinVar aggregate classification (germline): Uncertain significance. Review status: criteria provided, multiple submitters, no conflicts (2 of 4 stars). 2 submissions from 2 submitters: Uncertain significance (2). Last evaluated 2026-01-19.

Conditions:
Multiple acyl-CoA dehydrogenase deficiency (MADD). Also called: ETHYLMALONIC-ADIPICACIDURIA; GA II; Glutaric aciduria, type 2; Glutaric acidemia type II; GA 2; Glutaric Acidemia type 2. Identifiers: Orphanet 26791, MedGen C0268596, MONDO:0009282, OMIM 231680.

Allele frequency attached by ClinVar (database versions not stated): ExAC 0.00001; gnomAD 0.00003; TOPMed 0.00003; gnomAD exomes 0.00004; ESP Exome Variant Server 0.00008.
gnomAD v4.1: 68 of 1,613,986 alleles (0.0042%); highest among the groups gnomAD compares: Non-Finnish European, 0.0052%; no homozygotes.

Submissions (2):

Labcorp Genetics (formerly Invitae), Labcorp
Classification: Uncertain significance for Multiple acyl-CoA dehydrogenase deficiency. Last evaluated: 2026-01-19. Review status: criteria provided, single submitter. Criteria: Invitae Variant Classification Sherloc (09022015). Collection method: clinical testing. Allele origin: germline.
Comment: This sequence change replaces alanine, which is neutral and non-polar, with valine, which is neutral and non-polar, at codon 107 of the ETFDH protein (p.Ala107Val). This variant is present in population databases (rs367854126, gnomAD 0.004%). This variant has not been reported in the literature in individuals affected with ETFDH-related conditions. ClinVar contains an entry for this variant (Variation ID: 2200222). Invitae Evidence Modeling of protein sequence and biophysical properties (such as structural, functional, and spatial information, amino acid conservation, physicochemical variation, residue mobility, and thermodynamic stability) indicates that this missense variant is not expected to disrupt ETFDH protein function with a negative predictive value of 80%. In summary, the available evidence is currently insufficient to determine the role of this variant in disease. Therefore, it has been classified as a Variant of Uncertain Significance.

Mayo Clinic Laboratories, Mayo Clinic
Classification: Uncertain significance. Last evaluated: 2023-12-19. Review status: criteria provided, single submitter. Criteria: ACMG Guidelines, 2015. Collection method: clinical testing. Allele origin: germline. Observed: 1 variant allele.
Comment: PM2_moderate

NM_004453.4(ETFDH):c.320C>T (p.Ala107Val)

Gene: ETFDH (electron transfer flavoprotein dehydrogenase; plus strand). Cytogenetic location: 4q32.1.
Variant type: single nucleotide variant.
Coding change: c.320C>T on transcript NM_004453.4 (MANE Select); coding-DNA position 320, C replaced by T.
Protein change: p.Ala107Val; replaces alanine 107 with valine.
Molecular consequence: missense variant.
Genome position (GRCh38, 1-based): chr4:158,682,339, C>T. VCF-style: chr4-158682339-C-T. GRCh37 (hg19) VCF-style: chr4-159603491-C-T.
Other names: p.Ala107Val; c.179C>T, p.Ala60Val (NM_001281737.2); c.137C>T, p.Ala46Val (NM_001281738.1); short protein forms A60V, A107V, A46V.
Identifiers: ClinVar variation 2200222 (VCV002200222.3), dbSNP rs367854126, ClinGen allele CA3122318.